The following is an entry in ClinVar:

ClinVar aggregate classification (germline): Conflicting classifications of pathogenicity. Review status: criteria provided, conflicting classifications (1 of 4 stars). 16 submissions from 16 submitters: Uncertain significance (2); Benign (1); Likely benign (10). 3 of the submissions do not count toward it. Last evaluated 2026-01-10.

Conditions:
BRCA2-related disorder. Also called: BRCA2-related condition; BRCA2-related disorders. Identifiers: MedGen CN239275.
Breast and/or ovarian cancer. Identifiers: MedGen CN221562.
Hereditary cancer-predisposing syndrome. Also called: Hereditary Cancer Syndrome; Neoplastic Syndromes, Hereditary; Hereditary neoplastic syndrome; Tumor predisposition. Identifiers: Orphanet 140162, MedGen C0027672, MeSH D009386, MONDO:0015356.
Hereditary breast ovarian cancer syndrome. Also called: Hereditary breast and ovarian cancer syndrome; Breast and ovarian cancer; BRCA1- and BRCA2-Associated Hereditary Breast and Ovarian Cancer; Hereditary breast and/or ovarian cancer syndrome; Hereditary breast and ovarian cancer; Hereditary breast and ovarian cancer syndrome (HBOC). Identifiers: Orphanet 145, MedGen C0677776, MeSH D061325, MONDO:0003582. Disease mechanism: loss of function.
Breast-ovarian cancer, familial, susceptibility to, 2 (BROVCA2). Also called: BRCA2 Hereditary Breast and Ovarian Cancer. Identifiers: Orphanet 145, MedGen C2675520, MONDO:0012933, OMIM 612555. Disease mechanism: loss of function.
Malignant tumor of breast. Also called: Malignant breast neoplasm; Cancer breast. Identifiers: MedGen C0006142, MONDO:0007254. Disease mechanism: loss of function.

Allele frequency attached by ClinVar (database versions not stated): ExAC 0.00004; gnomAD exomes 0.00005; TOPMed 0.00005; gnomAD 0.00006; ESP Exome Variant Server 0.00008; 1000 Genomes Project 30x 0.00016; 1000 Genomes Project 0.00020.
gnomAD v4.1: 86 of 1,613,120 alleles (0.0053%); highest among the groups gnomAD compares: Non-Finnish European, 0.007%; no homozygotes.

Submissions (16):

Labcorp Genetics (formerly Invitae), Labcorp
Classification: Likely benign for Hereditary breast ovarian cancer syndrome. Last evaluated: 2026-01-10. Review status: criteria provided, single submitter. Criteria: Invitae Variant Classification Sherloc (09022015). Collection method: clinical testing. Allele origin: germline.

Women's Health and Genetics/Laboratory Corporation of America, LabCorp
Classification: Likely benign. Last evaluated: 2025-04-14. Review status: criteria provided, single submitter. Criteria: LabCorp Variant Classification Summary - May 2015. Collection method: clinical testing. Allele origin: germline.
Comment: Variant summary: BRCA2 c.3073A>G (p.Lys1025Glu) results in a conservative amino acid change located in the BRCA2 repeat (IPR002093) of the encoded protein sequence. Five of five in-silico tools predict a benign effect of the variant on protein function. The variant allele was found at a frequency of 4.8e-05 in 250060 control chromosomes, predominantly at a frequency of 9.7e-05 within the Non-Finnish European subpopulation in the gnomAD database. This frequency is not significantly higher than estimated for a pathogenic variant in BRCA2 causing Hereditary Breast And Ovarian Cancer Syndrome (4.8e-05 vs 0.00075), allowing no conclusion about variant significance. Multiple publications (Cunningham_2014, Lu_2012, Maier _2014, dosSantosVidal_2016) have cited c.3073A>G variant in affected individuals. Co-occurrences with other pathogenic variant(s) have been reported (BRCA1 c.1360_1361del, (p.Glu453_Ser454insTer), providing supporting evidence for a benign role (internal data). The following publications have been ascertained in the context of this evaluation (PMID: 24504028, 22476429, 25111659, 25348012, 17679929, 26941049, 34178674, 32599251, 37922907). At least one publication reports experimental evidence evaluating an impact on protein function (Biswas_2023). These results showed no damaging effect of this variant. ClinVar contains an entry for this variant (Variation ID: 51393). Based on the evidence outlined above, the variant was classified as likely benign.

Mayo Clinic Laboratories, Mayo Clinic
Classification: Likely benign. Last evaluated: 2025-03-19. Review status: criteria provided, single submitter. Criteria: ACMG Guidelines, 2015. Collection method: clinical testing. Allele origin: germline. Observed: 2 variant alleles.
Comment: BS1_supporting, BP1_strong

PreventionGenetics, part of Exact Sciences
Classification: Likely benign for BRCA2-related condition. Last evaluated: 2024-10-22. Review status: criteria provided, single submitter. Criteria: ACMG Guidelines, 2015. Collection method: clinical testing. Allele origin: germline.
Comment: This variant is classified as likely benign based on ACMG/AMP sequence variant interpretation guidelines (Richards et al. 2015 PMID: 25741868, with internal and published modifications).

German Consortium for Hereditary Breast and Ovarian Cancer, University Hospital Cologne
Classification: Likely benign for Hereditary breast ovarian cancer syndrome. Last evaluated: 2024-07-08. Review status: criteria provided, single submitter. Criteria: ClinGen BRCA2 V1.1.0. Collection method: curation. Allele origin: germline.
Comment: According to the ClinGen ENIGMA BRCA2 v1.1.0 criteria we chose these criteria: BP1 (strong benign): missense variants outside a (potentially) clinically important functional domain AND no splicing predicted (SpliceAI ≤0.1)., BS1 (supporting benign): (FAF) is above 0.002% (FAF > 0.00002) and less than or equal to 0.01% (FAF ≤ 0.0001) in gnomAD v2.1 (non-cancer, exome only subset) and/or gnomAD v3.1 (non-cancer)

University of Washington Department of Laboratory Medicine, University of Washington
Classification: Likely benign for Hereditary cancer-predisposing syndrome. Last evaluated: 2023-03-23. Review status: criteria provided, single submitter. Criteria: Dines et al. (Genet Med. 2020). Collection method: curation. Allele origin: germline.
Comment: Missense variant in a coldspot region where missense variants are very unlikely to be pathogenic (PMID:31911673).

BRCA2 exon 11 coldspot. Reclassification based on statistical prior probability.

Quest Diagnostics Nichols Institute San Juan Capistrano
Classification: Likely benign. Last evaluated: 2022-02-11. Review status: criteria provided, single submitter. Criteria: Quest Diagnostics criteria. Collection method: clinical testing. Allele origin: unknown.

Sema4
Classification: Likely benign for Hereditary cancer-predisposing syndrome. Last evaluated: 2022-01-07. Review status: criteria provided, single submitter. Criteria: Sema4 Curation Guidelines. Collection method: curation. Allele origin: germline.

CHEO Genetics Diagnostic Laboratory, Children's Hospital of Eastern Ontario
Classification: Uncertain significance for Breast and/or ovarian cancer. Last evaluated: 2021-08-03. Review status: criteria provided, single submitter. Criteria: ACMG Guidelines, 2015. Collection method: clinical testing. Allele origin: germline.

GeneDx
Classification: Likely benign. Last evaluated: 2019-12-19. Review status: criteria provided, single submitter. Criteria: GeneDx Variant Classification Process June 2021. Collection method: clinical testing. Allele origin: germline. Affected: yes.
Comment: This variant is associated with the following publications: (PMID: 32123317, 31131967, 30995915, 28726806, 25348012, 26941049, 22476429, 17679929, 24504028, 25111659)

Ambry Genetics
Classification: Likely benign for Hereditary cancer-predisposing syndrome. Last evaluated: 2018-05-08. Review status: criteria provided, single submitter. Criteria: Ambry Variant Classification Scheme 2023. Collection method: clinical testing. Allele origin: germline.

Department of Pathology and Molecular Medicine, Queen's University
Classification: Uncertain significance. Last evaluated: 2017-04-20. Review status: criteria provided, single submitter. Criteria: ACMG Guidelines, 2015. Collection method: clinical testing. Allele origin: germline. Study: The Canadian Open Genetics Repository (COGR).

Color Diagnostics, LLC DBA Color Health
Classification: Benign for Hereditary cancer-predisposing syndrome. Last evaluated: 2016-04-05. Review status: criteria provided, single submitter. Criteria: ACMG Guidelines, 2015. Collection method: clinical testing. Allele origin: germline.

Sharing Clinical Reports Project (SCRP)
Classification: Benign for Breast-ovarian cancer, familial 2. Last evaluated: 2012-03-02. Review status: no assertion criteria provided. Collection method: clinical testing. Allele origin: germline. Not counted in ClinVar's aggregate classification.

Breast Cancer Information Core (BIC) (BRCA2)
Classification: Uncertain significance for Breast-ovarian cancer, familial 2. Last evaluated: 2004-02-20. Review status: no assertion criteria provided. Collection method: clinical testing. Allele origin: germline. Affected: yes. Observed: 5 variant alleles. Not counted in ClinVar's aggregate classification.

Department of Pathology and Laboratory Medicine, Sinai Health System
Classification: Uncertain significance for Malignant tumor of breast. Review status: no assertion criteria provided. Collection method: clinical testing. Allele origin: unknown. Affected: yes. Study: The Canadian Open Genetics Repository (COGR). Not counted in ClinVar's aggregate classification.
Comment: The p.Lys1025Glu variant has been reported as a variant of unknown significance in the BIC (x5) and UMD (x2) databases. It has not been previously identified by our laboratory. In addition, the variant is listed in the dbSNP database (ID#:rs80358550) as coming from a "clinical source" but no frequency information was provided, and so the prevalence of this variant in the population is not known. This residue is not conserved in mammals and computational analyses (PolyPhen2, SIFT, AlignGVGD) do not suggest a high likelihood of impact to the protein. However, this information is not predictive enough to rule out pathogenicity. In summary, based on the above information, the clinical significance of this variant cannot be determined at this time. This variant is classified as a variant of unknown significance.

Literature cited by the submitters: PubMed 22476429 (cited by 3 submitters); PubMed 17679929 (cited by 4 submitters); PubMed 24504028 (cited by 4 submitters); PubMed 25348012 (cited by Women's Health and Genetics/Laboratory Corporation of America, LabCorp and Quest Diagnostics Nichols Institute San Juan Capistrano); PubMed 25111659 (cited by 3 submitters); PubMed 26941049 (cited by Women's Health and Genetics/Laboratory Corporation of America, LabCorp and Quest Diagnostics Nichols Institute San Juan Capistrano); PubMed 32599251 (cited by 4 submitters); PubMed 34178674 (cited by 4 submitters); PubMed 37922907 (cited by Women's Health and Genetics/Laboratory Corporation of America, LabCorp); PubMed 33471991 (cited by Quest Diagnostics Nichols Institute San Juan Capistrano and Sema4); PubMed 32123317 (cited by Quest Diagnostics Nichols Institute San Juan Capistrano); PubMed 30995915 (cited by Quest Diagnostics Nichols Institute San Juan Capistrano); PubMed 31131967 (cited by Quest Diagnostics Nichols Institute San Juan Capistrano and Ambry Genetics); PubMed 32885271 (cited by Ambry Genetics).

NM_000059.4(BRCA2):c.3073A>G (p.Lys1025Glu)

Gene: BRCA2 (BRCA2 DNA repair associated; plus strand). Cytogenetic location: 13q13.1.
Variant type: single nucleotide variant.
Coding change: c.3073A>G on transcript NM_000059.4 (MANE Select); coding-DNA position 3073, A replaced by G.
Protein change: p.Lys1025Glu; replaces lysine 1025 with glutamic acid.
Molecular consequence: missense variant.
Genome position (GRCh38, 1-based): chr13:32,337,428, A>G. VCF-style: chr13-32337428-A-G. GRCh37 (hg19) VCF-style: chr13-32911565-A-G.
Other names: p.K1025E:AAG>GAG; 3301A>G; short protein forms K1025E.
Identifiers: ClinVar variation 51393 (VCV000051393.33), dbSNP rs80358550, ClinGen allele CA017162.